The following is an entry in ClinVar:

ClinVar aggregate classification (germline): Uncertain significance (1 of 4 stars; one submission).

Conditions:
Left ventricular noncompaction 8 (LVNC8). Identifiers: Orphanet 154, Orphanet 54260, MedGen C3809288, MONDO:0014152, OMIM 615373.

Submission:

Labcorp Genetics (formerly Invitae), Labcorp
Classification: Uncertain significance for Left ventricular noncompaction 8. Last evaluated: 2022-11-01. Review status: criteria provided, single submitter. Criteria: Invitae Variant Classification Sherloc (09022015). Collection method: clinical testing. Allele origin: germline.
Comment: In summary, the available evidence is currently insufficient to determine the role of this variant in disease. Therefore, it has been classified as a Variant of Uncertain Significance. Algorithms developed to predict the effect of missense changes on protein structure and function output the following: SIFT: "Tolerated"; PolyPhen-2: "Benign"; Align-GVGD: "Class C0". The glutamine amino acid residue is found in multiple mammalian species, which suggests that this missense change does not adversely affect protein function. ClinVar contains an entry for this variant (Variation ID: 1396294). This variant has not been reported in the literature in individuals affected with PRDM16-related conditions. This variant is not present in population databases (gnomAD no frequency). This sequence change replaces proline, which is neutral and non-polar, with glutamine, which is neutral and polar, at codon 1188 of the PRDM16 protein (p.Pro1188Gln).

NM_022114.4(PRDM16):c.3563C>A (p.Pro1188Gln)

Gene: PRDM16 (PR/SET domain 16; plus strand). Cytogenetic location: 1p36.32.
Variant type: single nucleotide variant.
Coding change: c.3563C>A on transcript NM_022114.4 (MANE Select); coding-DNA position 3563, C replaced by A.
Protein change: p.Pro1188Gln; replaces proline 1188 with glutamine.
Molecular consequence: missense variant.
Genome position (GRCh38, 1-based): chr1:3,432,007, C>A. VCF-style: chr1-3432007-C-A. GRCh37 (hg19) VCF-style: chr1-3348571-C-A.
Other names: c.3563C>A, p.Pro1188Gln (NM_199454.3); short protein forms P1188Q.
Identifiers: ClinVar variation 1396294 (VCV001396294.6), dbSNP rs572604983, ClinGen allele CA338004474.
Genomic context (GRCh38, chr1:3,432,007, plus strand): 5'-TCCCCGGTCATTGGTGCAGGTGTGCTGAGGACCACGAAGGCGGTCTGTTAGCTTTGGAGC[C>A]GATGCCGACTTTTGGGAAGGGGCTGGACCTCCGCAGAGCAGCTGAGGAAGCATTTGAAGT-3'
Protein context (NP_071397.3, residues 1178-1198): DHEGGLLALE[Pro1188Gln]MPTFGKGLDL